The following is an entry in ClinVar:

ClinVar aggregate classification (germline): Uncertain significance. Review status: criteria provided, multiple submitters, no conflicts (2 of 4 stars). 2 submissions from 2 submitters: Uncertain significance (2). Last evaluated 2025-11-26.

Conditions:
Inborn genetic diseases. Identifiers: MedGen C0950123, MeSH D030342.

Allele frequency attached by ClinVar (database versions not stated): TOPMed below 0.00001; ExAC 0.00001; gnomAD 0.00001; gnomAD exomes 0.00001.
gnomAD v4.1: 11 of 1,611,820 alleles (0.00068%); highest among the groups gnomAD compares: South Asian, 0.0011%; no homozygotes.

Submissions (2):

Ambry Genetics
Classification: Uncertain significance for Inborn genetic diseases. Last evaluated: 2025-11-26. Review status: criteria provided, single submitter. Criteria: Ambry Variant Classification Scheme 2023. Collection method: clinical testing. Allele origin: germline.

Labcorp Genetics (formerly Invitae), Labcorp
Classification: Uncertain significance. Last evaluated: 2022-05-28. Review status: criteria provided, single submitter. Criteria: Invitae Variant Classification Sherloc (09022015). Collection method: clinical testing. Allele origin: germline.
Comment: This sequence change replaces serine, which is neutral and polar, with asparagine, which is neutral and polar, at codon 339 of the DYNC2LI1 protein (p.Ser339Asn). In summary, the available evidence is currently insufficient to determine the role of this variant in disease. Therefore, it has been classified as a Variant of Uncertain Significance. Algorithms developed to predict the effect of missense changes on protein structure and function output the following: SIFT: "Tolerated"; PolyPhen-2: "Benign"; Align-GVGD: "Class C0". The asparagine amino acid residue is found in multiple mammalian species, which suggests that this missense change does not adversely affect protein function. This variant has not been reported in the literature in individuals affected with DYNC2LI1-related conditions. This variant is present in population databases (rs778407624, gnomAD 0.002%).

NM_016008.4(DYNC2LI1):c.1016G>A (p.Ser339Asn)

Genes: ABCG5 (ATP binding cassette subfamily G member 5; minus strand), DYNC2LI1 (dynein cytoplasmic 2 light intermediate chain 1; plus strand). Cytogenetic location: 2p21.
Variant type: single nucleotide variant.
Coding change: c.1016G>A on transcript NM_016008.4 (MANE Select); coding-DNA position 1016, G replaced by A.
Protein change: p.Ser339Asn; replaces serine 339 with asparagine.
Molecular consequence: missense variant. On other transcripts: intron variant (2).
Genome position (GRCh38, 1-based): chr2:43,809,727, G>A. VCF-style: chr2-43809727-G-A. GRCh37 (hg19) VCF-style: chr2-44036866-G-A.
Other names: c.1019G>A, p.Ser340Asn (NM_001193464.2); c.997-654G>A (NM_001348913.2); c.994-654G>A (NM_001348912.2); c.1019G>A (NM_001193464.1); short protein forms S340N, S339N.
Identifiers: ClinVar variation 1942412 (VCV001942412.8), dbSNP rs778407624, ClinGen allele CA1636099.